The following is an entry in ClinVar:

ClinVar aggregate classification (germline): Uncertain significance (1 of 4 stars; one submission).

Conditions:
Neurofibromatosis, type 1 (NF1). Also called: Peripheral type neurofibromatosis; VON RECKLINGHAUSEN DISEASE; Neurofibromatosis, type I; NEUROFIBROMATOSIS, TYPE I, SOMATIC. Identifiers: Orphanet 636, MedGen C0027831, MONDO:0018975, OMIM 162200. Disease mechanism: loss of function.

Submission:

Labcorp Genetics (formerly Invitae), Labcorp
Classification: Uncertain significance for Neurofibromatosis, type 1. Last evaluated: 2018-04-18. Review status: criteria provided, single submitter. Criteria: Invitae Variant Classification Sherloc (09022015). Collection method: clinical testing. Allele origin: germline.
Comment: In summary, the available evidence is currently insufficient to determine the role of this variant in disease. Therefore, it has been classified as a Variant of Uncertain Significance. Algorithms developed to predict the effect of missense changes on protein structure and function do not agree on the potential impact of this missense change (SIFT: "Tolerated"; PolyPhen-2: "Probably Damaging"; Align-GVGD: "Class C0"). This variant has not been reported in the literature in individuals with NF1-related disease. This variant is not present in population databases (ExAC no frequency). This sequence change replaces lysine with arginine at codon 1974 of the NF1 protein (p.Lys1974Arg). The lysine residue is moderately conserved and there is a small physicochemical difference between lysine and arginine.

NM_001042492.3(NF1):c.5984A>G (p.Lys1995Arg)

Gene: NF1 (neurofibromin 1; plus strand). Cytogenetic location: 17q11.2.
Variant type: single nucleotide variant.
Coding change: c.5984A>G on transcript NM_001042492.3 (MANE Select); coding-DNA position 5984, A replaced by G.
Protein change: p.Lys1995Arg; replaces lysine 1995 with arginine.
Molecular consequence: missense variant.
Genome position (GRCh38, 1-based): chr17:31,335,009, A>G. VCF-style: chr17-31335009-A-G. GRCh37 (hg19) VCF-style: chr17-29662027-A-G.
Other names: c.5921A>G, p.Lys1974Arg (NM_000267.4); short protein forms K1974R, K1995R.
Identifiers: ClinVar variation 573306 (VCV000573306.5), dbSNP rs1567615913, ClinGen allele CA399010933.